The following is an entry in ClinVar:

NM_024577.4(SH3TC2):c.3277G>A (p.Val1093Met)

Gene: SH3TC2 (SH3 domain and tetratricopeptide repeats 2; minus strand). Cytogenetic location: 5q32.
Variant type: single nucleotide variant.
Coding change: c.3277G>A on transcript NM_024577.4 (MANE Select); coding-DNA position 3277, G replaced by A.
Protein change: p.Val1093Met; replaces valine 1093 with methionine.
Molecular consequence: missense variant.
Genome position (GRCh38, 1-based): chr5:149,010,320, C>T on the plus strand (G>A on the coding strand, the complement: SH3TC2 is on the minus strand). VCF-style: chr5-149010320-C-T. GRCh37 (hg19) VCF-style: chr5-148389883-C-T.
Other names: short protein forms V1093M.
Identifiers: ClinVar variation 1345371 (VCV001345371.8), dbSNP rs2127392867, ClinGen allele CA361664878.

ClinVar aggregate classification (germline): Uncertain significance (1 of 4 stars; one submission).

Conditions:
Charcot-Marie-Tooth disease type 4. Also called: Charcot-Marie-Tooth disease, type IV; Charcot-Marie-Tooth, Type 4. Identifiers: Orphanet 64749, MedGen C4082197, MONDO:0018995.

Submission:

Labcorp Genetics (formerly Invitae), Labcorp
Classification: Uncertain significance for Charcot-Marie-Tooth disease type 4. Last evaluated: 2021-04-14. Review status: criteria provided, single submitter. Criteria: Invitae Variant Classification Sherloc (09022015). Collection method: clinical testing. Allele origin: germline.
Comment: This variant is not present in population databases (ExAC no frequency). This sequence change replaces valine with methionine at codon 1093 of the SH3TC2 protein (p.Val1093Met). The valine residue is highly conserved and there is a small physicochemical difference between valine and methionine. This variant has not been reported in the literature in individuals with SH3TC2-related conditions. In summary, the available evidence is currently insufficient to determine the role of this variant in disease. Therefore, it has been classified as a Variant of Uncertain Significance. Advanced modeling of protein sequence and biophysical properties (such as structural, functional, and spatial information, amino acid conservation, physicochemical variation, residue mobility, and thermodynamic stability) performed at Invitae indicates that this missense variant is not expected to disrupt SH3TC2 protein function.